The following is an entry in ClinVar:

ClinVar aggregate classification (germline): Likely benign (0 of 4 stars; one submission).

Conditions:
PKD1L1-related disorder. Also called: PKD1L1-related condition.

Allele frequency attached by ClinVar (database versions not stated): TOPMed 0.00001; gnomAD 0.00003; ExAC 0.00006; 1000 Genomes Project 0.00020; 1000 Genomes Project 30x 0.00031.
gnomAD v4.1: 35 of 1,568,132 alleles (0.0022%); highest among the groups gnomAD compares: South Asian, 0.026%; 2 homozygotes.

Submission:

PreventionGenetics, part of Exact Sciences
Classification: Likely benign for PKD1L1-related condition. Last evaluated: 2023-10-09. Review status: no assertion criteria provided. Collection method: clinical testing. Allele origin: germline.
Comment: This variant is classified as likely benign based on ACMG/AMP sequence variant interpretation guidelines (Richards et al. 2015 PMID: 25741868, with internal and published modifications).

NM_138295.5(PKD1L1):c.7371C>T (p.Ser2457=)

Genes: PKD1L1 (polycystin 1 like 1, transient receptor potential channel interacting; minus strand), PKD1L1-AS1 (PKD1L1 antisense RNA 1; plus strand). Cytogenetic location: 7p12.3.
Variant type: single nucleotide variant.
Coding change: c.7371C>T on transcript NM_138295.5 (MANE Select); coding-DNA position 7371, C replaced by T.
Protein change: p.Ser2457=; no amino-acid change (serine 2457 retained).
Molecular consequence: synonymous variant.
Genome position (GRCh38, 1-based): chr7:47,812,027, G>A on the plus strand (C>T on the coding strand, the complement: PKD1L1 is on the minus strand). VCF-style: chr7-47812027-G-A. GRCh37 (hg19) VCF-style: chr7-47851625-G-A.
Identifiers: ClinVar variation 3051831 (VCV003051831.2), dbSNP rs556770278, ClinGen allele CA4252032.
Genomic context (GRCh38, chr7:47,812,027, plus strand): 5'-AGTGAAGTGCACAGACACAGCCCTGGTGCTGCGGTCAATCCACATGCTGGCCCTGAGTCG[G>A]GACAGGGCTGTGTGGGCTTCAGTCCTGTAAAACAGCACACACTGGGGTAGGGCAGGGCAG-3'
Protein context (NP_612152.1, residues 2447-2467): RTRTEAHTAL[Ser2457=]RLRASMWIDR